The following is an entry in ClinVar:

ClinVar aggregate classification (germline): Conflicting classifications of pathogenicity. Review status: criteria provided, conflicting classifications (1 of 4 stars). 2 submissions from 1 submitter: Uncertain significance (1); Benign (1). Last evaluated 2018-01-13.

Conditions:
Autosomal dominant nonsyndromic hearing loss 22. Also called: Autosomal dominant nonsyndromic deafness 22; DFNA 22. Identifiers: Orphanet 228012, MedGen C2931767, MONDO:0011660, OMIM 606346.
Autosomal recessive nonsyndromic hearing loss 37. Identifiers: Orphanet 90636, MedGen C1843028, MONDO:0011912, OMIM 607821.

Allele frequency attached by ClinVar (database versions not stated): gnomAD 0.00105 and 0.00120; TOPMed 0.00147; 1000 Genomes Project 0.00399; 1000 Genomes Project 30x 0.00437.

Submissions (2):

Illumina Laboratory Services, Illumina
Classification: Benign for Autosomal dominant nonsyndromic hearing loss 22. Last evaluated: 2018-01-13. Review status: criteria provided, single submitter. Criteria: ICSL Variant Classification Criteria 13 December 2019. Collection method: clinical testing. Allele origin: germline.
Comment: This variant was observed in the ICSL laboratory as part of a predisposition screen in an ostensibly healthy population. It had not been previously curated by ICSL or reported in the Human Gene Mutation Database (HGMD: prior to June 1st, 2018), and was therefore a candidate for classification through an automated scoring system. Utilizing variant allele frequency, disease prevalence and penetrance estimates, and inheritance mode, an automated score was calculated to assess if this variant is too frequent to cause the disease. Based on the score and internal cut-off values, a variant classified as benign is not then subjected to further curation. The score for this variant resulted in a classification of benign for this disease.

Illumina Laboratory Services, Illumina
Classification: Uncertain significance for Autosomal recessive nonsyndromic hearing loss 37. Last evaluated: 2018-01-13. Review status: criteria provided, single submitter. Criteria: ICSL Variant Classification Criteria 13 December 2019. Collection method: clinical testing. Allele origin: germline.

NM_004999.4(MYO6):c.*3879G>A

Gene: MYO6 (myosin VI; plus strand). Cytogenetic location: 6q14.1.
Variant type: single nucleotide variant.
Coding change: c.*3879G>A on transcript NM_004999.4 (MANE Select); 3879 bases downstream of the stop codon, G replaced by A.
Molecular consequence: 3 prime UTR variant. On other transcripts: non-coding transcript variant (1).
Genome position (GRCh38, 1-based): chr6:75,918,891, G>A. VCF-style: chr6-75918891-G-A. GRCh37 (hg19) VCF-style: chr6-76628608-G-A.
Other names: c.*3879G>A (NM_001300899.2, NM_001368136.1, NM_001368137.1 and 3 more transcripts).
Identifiers: ClinVar variation 358051 (VCV000358051.5), dbSNP rs189646143, ClinGen allele CA10624674.